The following is an entry in ClinVar:

NM_000257.4(MYH7):c.2578A>G (p.Lys860Glu)

Genes: MYH7 (myosin heavy chain 7; minus strand), LOC126861898 (BRD4-independent group 4 enhancer GRCh37_chr14:23893609-23894808; plus strand). Cytogenetic location: 14q11.2.
Variant type: single nucleotide variant.
Coding change: c.2578A>G on transcript NM_000257.4 (MANE Select); coding-DNA position 2578, A replaced by G.
Protein change: p.Lys860Glu; replaces lysine 860 with glutamic acid.
Molecular consequence: missense variant.
Genome position (GRCh38, 1-based): chr14:23,424,870, T>C on the plus strand (A>G on the coding strand, the complement: MYH7 is on the minus strand). VCF-style: chr14-23424870-T-C. GRCh37 (hg19) VCF-style: chr14-23894079-T-C.
Other names: c.2578A>G (LRG_384t1); short protein forms K860E.
Identifiers: ClinVar variation 192312 (VCV000192312.10), dbSNP rs759225115, ClinGen allele CA012673.
Genomic context (GRCh38, chr14:23,424,870, plus strand): 5'-GGGACACCATCTTCTCCTCCAGCTCCTTGCGGCGAGCCTCGGACTTCTCTAGCGCCTCTT[T>C]GAGGCGTGTGAACTCCTCCTTCATGGAGGCCATCTCCTTCTCTCTTTCTGCACTCTTCAG-3'
Protein context (NP_000248.2, residues 850-870): ASMKEEFTRL[Lys860Glu]EALEKSEARR

ClinVar aggregate classification (germline): Uncertain significance. Review status: criteria provided, multiple submitters, no conflicts (2 of 4 stars). 3 submissions from 3 submitters: Uncertain significance (3). Last evaluated 2024-03-21.

Conditions:
Hypertrophic cardiomyopathy 1 (CMH1). Also called: Familial hypertrophic cardiomyopathy 1; MYH7-Related Familial Hypertrophic Cardiomyopathy. Identifiers: MedGen C3495498, MONDO:0008647, OMIM 192600.
Hypertrophic cardiomyopathy. Also called: HYPERTROPHIC MYOCARDIOPATHY. Identifiers: Orphanet 217569, MedGen C0007194, MeSH D002312, MONDO:0005045, HP:0001639.
Cardiovascular phenotype. Identifiers: MedGen CN230736.

Allele frequency attached by ClinVar (database versions not stated): gnomAD 0.00001; TOPMed 0.00001.
gnomAD v4.1: 2 of 1,614,116 alleles (0.00012%); highest among the groups gnomAD compares: Non-Finnish European, 0.00017%; no homozygotes.

Submissions (3):

Labcorp Genetics (formerly Invitae), Labcorp
Classification: Uncertain significance for Hypertrophic cardiomyopathy. Last evaluated: 2024-03-21. Review status: criteria provided, single submitter. Criteria: Invitae Variant Classification Sherloc (09022015). Collection method: clinical testing. Allele origin: germline.
Comment: This sequence change replaces lysine, which is basic and polar, with glutamic acid, which is acidic and polar, at codon 860 of the MYH7 protein (p.Lys860Glu). This variant is not present in population databases (gnomAD no frequency). This missense change has been observed in individual(s) with hypertrophic cardiomyopathy (PMID: 28790153, 32894683). ClinVar contains an entry for this variant (Variation ID: 192312). Advanced modeling of protein sequence and biophysical properties (such as structural, functional, and spatial information, amino acid conservation, physicochemical variation, residue mobility, and thermodynamic stability) performed at Invitae indicates that this missense variant is expected to disrupt MYH7 protein function with a positive predictive value of 95%. In summary, the available evidence is currently insufficient to determine the role of this variant in disease. Therefore, it has been classified as a Variant of Uncertain Significance.

Ambry Genetics
Classification: Uncertain significance for Cardiovascular phenotype. Last evaluated: 2024-03-11. Review status: criteria provided, single submitter. Criteria: Ambry Variant Classification Scheme 2023. Collection method: clinical testing. Allele origin: germline.
Comment: The p.K860E variant (also known as c.2578A>G), located in coding exon 20 of the MYH7 gene, results from an A to G substitution at nucleotide position 2578. The lysine at codon 860 is replaced by glutamic acid, an amino acid with similar properties. This alteration is located in the myosin head domain, which contains a statistically significant clustering of pathogenic missense variants (Homburger JR et al. Proc Natl Acad Sci U S A, 2016 06;113:6701-6; Walsh R et al. Genet Med, 2017 02;19:192-203; Ambry internal data). This variant has been reported in individuals with hypertrophic cardiomyopathy (HCM); however, clinical details were limited (Ambry internal data; Burns C et al. Circ Cardiovasc Genet, 2017 Aug;10:). This amino acid position is well conserved in available vertebrate species. In addition, the in silico prediction for this alteration is inconclusive. Since supporting evidence is limited at this time, the clinical significance of this alteration remains unclear.

Agnes Ginges Centre for Molecular Cardiology, Centenary Institute
Classification: Uncertain significance for Familial hypertrophic cardiomyopathy 1. Last evaluated: 2015-02-25. Review status: criteria provided, single submitter. Criteria: Agnes Ginges Centre for Molecular Cardiology criteria (2015). Collection method: research. Allele origin: germline. Inheritance: Autosomal dominant inheritance. Affected: yes.
Comment: This MYH7 Lys860Glu is a novel finding. To our knowledge, no other variant which results in an amino acid substitution at this location has been observed in either controls or HCM cases. This variant is absent in large population databases including the 1000 genomes project, and the Exome Aggregation Consortium dataset, suggesting that an amino acid substitution at this site may not be tolerated. Furthermore, this variant is not detected in >160 in-house exomes of unrelated individuals with diverse cardiac phenotypes. Computational tools predict the MYH7 Lys860Glu variant to be "deleterious" (SIFT) and "disease-causing" (MutationTaster). Additionally, a tool specifically designed to predict the effects of missense variants in HCM genes (Jordan DM, et al., 2011), predicts that this variant is causative of the disease. No other informative relatives were identified in this family for segregation analysis. Based on the absence of this variant in the general population, and predictions from a number of in silico models, we suspect this variant to possibly be disease-causing. At this time however, we do not have sufficient evidence to support its role in disease. Thus, we classify this MYH7 Lys860Glu variant as one of "uncertain significance".

Literature cited by the submitters: PubMed 28790153 (cited by Labcorp Genetics (formerly Invitae), Labcorp and Ambry Genetics); PubMed 32894683 (cited by Labcorp Genetics (formerly Invitae), Labcorp and Ambry Genetics); PubMed 27247418 (cited by Ambry Genetics); PubMed 28408708 (cited by Ambry Genetics).